The following is an entry in ClinVar:

ClinVar aggregate classification (germline): Benign/Likely benign. Review status: criteria provided, multiple submitters, no conflicts (2 of 4 stars). 2 submissions from 2 submitters: Benign (1); Likely benign (1). Last evaluated 2025-07-09.

Conditions:
FLNB-Related Spectrum Disorders.

Allele frequency attached by ClinVar (database versions not stated): gnomAD 0.00002 and 0.00006; TOPMed 0.00005; gnomAD exomes 0.00018 and 0.00019; ExAC 0.00022; 1000 Genomes Project 30x 0.00047; 1000 Genomes Project 0.00060.
gnomAD v4.1: 259 of 1,614,210 alleles (0.016%); highest among the groups gnomAD compares: East Asian, 0.56%; 1 homozygote.

Submissions (2):

Labcorp Genetics (formerly Invitae), Labcorp
Classification: Benign. Last evaluated: 2025-07-09. Review status: criteria provided, single submitter. Criteria: Invitae Variant Classification Sherloc (09022015). Collection method: clinical testing. Allele origin: germline.

Illumina Laboratory Services, Illumina
Classification: Likely benign for FLNB-Related Spectrum Disorders. Last evaluated: 2018-01-13. Review status: criteria provided, single submitter. Criteria: ICSL Variant Classification Criteria 13 December 2019. Collection method: clinical testing. Allele origin: germline.
Comment: This variant was observed in the ICSL laboratory as part of a predisposition screen in an ostensibly healthy population. It had not been previously curated by ICSL or reported in the Human Gene Mutation Database (HGMD: prior to June 1st, 2018), and was therefore a candidate for classification through an automated scoring system. Utilizing variant allele frequency, disease prevalence and penetrance estimates, and inheritance mode, an automated score was calculated to assess if this variant is too frequent to cause the disease. Based on the score and internal cut-off values, a variant classified as likely benign is not then subjected to further curation. The score for this variant resulted in a classification of likely benign for this disease.

NM_001457.4(FLNB):c.6829C>T (p.Leu2277=)

Gene: FLNB (filamin B; plus strand). Cytogenetic location: 3p14.3.
Variant type: single nucleotide variant.
Coding change: c.6829C>T on transcript NM_001457.4 (MANE Select); coding-DNA position 6829, C replaced by T.
Protein change: p.Leu2277=; no amino-acid change (leucine 2277 retained).
Molecular consequence: synonymous variant.
Genome position (GRCh38, 1-based): chr3:58,156,016, C>T. VCF-style: chr3-58156016-C-T. GRCh37 (hg19) VCF-style: chr3-58141743-C-T.
Other names: c.6922C>T, p.Leu2308= (NM_001164317.2); c.6796C>T, p.Leu2266= (NM_001164318.2); c.6757C>T, p.Leu2253= (NM_001164319.2).
Identifiers: ClinVar variation 902474 (VCV000902474.8), dbSNP rs150602768, ClinGen allele CA2469510.